The following is an entry in ClinVar:

ClinVar aggregate classification (germline): Pathogenic (1 of 4 stars; one submission).

Submission:

Labcorp Genetics (formerly Invitae), Labcorp
Classification: Pathogenic. Last evaluated: 2023-05-04. Review status: criteria provided, single submitter. Criteria: Invitae Variant Classification Sherloc (09022015). Collection method: clinical testing. Allele origin: unknown.
Comment: For these reasons, this variant has been classified as Pathogenic. This variant has not been reported in the literature in individuals affected with PIGB-related conditions. This variant is a gross deletion of the genomic region encompassing exon(s) 1-3 of the PIGB gene, which includes the initiator codon. This deletion extends beyond the assayed region for this gene and therefore may encompass additional genes. It is expected to result in an absent or disrupted protein product. Loss-of-function variants in PIGB are known to be pathogenic (PMID: 31256876, 34400385).

Literature cited by the submitters: PubMed 31256876; PubMed 34400385.

NC_000015.9:g.(?_55611449)_(55613608_?)del

Gene: PIGB (phosphatidylinositol glycan anchor biosynthesis class B; plus strand). Cytogenetic location: 15q21.3.
Variant type: Deletion.
Identifiers: ClinVar variation 3243872 (VCV003243872.1).